The following is an entry in ClinVar:

ClinVar aggregate classification (germline): Uncertain significance (1 of 4 stars; one submission).

Conditions:
Ataxia-telangiectasia syndrome (AT). Also called: Ataxia-telangiectasia; LOUIS-BAR SYNDROME; AT, COMPLEMENTATION GROUP C; Ataxia-telangiectasia, complementation group E; Ataxia telangiectasia (A-T); Cerebello-oculocutaneous telangiectasia. Identifiers: Orphanet 100, MedGen C0004135, MONDO:0008840, OMIM 208900.

Submission:

Labcorp Genetics (formerly Invitae), Labcorp
Classification: Uncertain significance for Ataxia-telangiectasia syndrome. Last evaluated: 2021-10-31. Review status: criteria provided, single submitter. Criteria: Invitae Variant Classification Sherloc (09022015). Collection method: clinical testing. Allele origin: germline.
Comment: In summary, the available evidence is currently insufficient to determine the role of this variant in disease. Therefore, it has been classified as a Variant of Uncertain Significance. Advanced modeling of protein sequence and biophysical properties (such as structural, functional, and spatial information, amino acid conservation, physicochemical variation, residue mobility, and thermodynamic stability) performed at Invitae indicates that this missense variant is not expected to disrupt ATM protein function. This variant has not been reported in the literature in individuals affected with ATM-related conditions. This variant is not present in population databases (gnomAD no frequency). This sequence change replaces arginine, which is basic and polar, with lysine, which is basic and polar, at codon 1150 of the ATM protein (p.Arg1150Lys).

NM_000051.4(ATM):c.3449G>A (p.Arg1150Lys)

Gene: ATM (ATM serine/threonine kinase; plus strand). Cytogenetic location: 11q22.3.
Variant type: single nucleotide variant.
Coding change: c.3449G>A on transcript NM_000051.4 (MANE Select); coding-DNA position 3449, G replaced by A.
Protein change: p.Arg1150Lys; replaces arginine 1150 with lysine.
Molecular consequence: missense variant.
Genome position (GRCh38, 1-based): chr11:108,281,041, G>A. VCF-style: chr11-108281041-G-A. GRCh37 (hg19) VCF-style: chr11-108151768-G-A.
Other names: c.3449G>A, p.Arg1150Lys (NM_001351834.2); short protein forms R1150K.
Identifiers: ClinVar variation 1446745 (VCV001446745.6), dbSNP rs555219189, ClinGen allele CA382519307.